The following is an entry in ClinVar:

ClinVar aggregate classification (germline): Pathogenic (1 of 4 stars; one submission).

Conditions:
Autosomal recessive polycystic kidney disease (ARPKD). Also called: AR polycystic kidney disease. Identifiers: Orphanet 731, Orphanet 8378, MedGen C0085548, MeSH D017044, MONDO:0009889.

Submission:

Labcorp Genetics (formerly Invitae), Labcorp
Classification: Pathogenic for Autosomal recessive polycystic kidney disease. Last evaluated: 2022-09-09. Review status: criteria provided, single submitter. Criteria: Invitae Variant Classification Sherloc (09022015). Collection method: clinical testing. Allele origin: germline.
Comment: This sequence change creates a premature translational stop signal (p.Leu1459Trpfs*5) in the PKHD1 gene. It is expected to result in an absent or disrupted protein product. Loss-of-function variants in PKHD1 are known to be pathogenic (PMID: 19940839). For these reasons, this variant has been classified as Pathogenic. This variant has not been reported in the literature in individuals affected with PKHD1-related conditions. This variant is not present in population databases (gnomAD no frequency).

Literature cited by the submitters: PubMed 19940839.

NM_138694.4(PKHD1):c.4375_4390del (p.Leu1459fs)

Gene: PKHD1 (PKHD1 ciliary IPT domain containing fibrocystin/polyductin; minus strand). Cytogenetic location: 6p12.2.
Variant type: Deletion.
Coding change: c.4375_4390del on transcript NM_138694.4 (MANE Select); coding-DNA positions 4375 to 4390, 16 bases deleted (CTGAACGTCACAGTCC).
Protein change: p.Leu1459fs; shifts the reading frame from leucine 1459.
Molecular consequence: frameshift variant.
Genome position (GRCh38, 1-based): chr6:52,025,420-52,025,435, GGACTGTGACGTTCAG deleted on the plus strand (CTGAACGTCACAGTCC on the coding strand, the reverse complement: PKHD1 is on the minus strand); deleting any 16 consecutive bases within chr6:52,025,420-52,025,438 gives the same sequence; the c. name uses the placement nearest the transcript's 3' end. VCF-style (leftmost placement, unchanged base first): chr6-52025419-AGGACTGTGACGTTCAG-A. GRCh37 (hg19) VCF-style: chr6-51890217-AGGACTGTGACGTTCAG-A.
Other names: c.4375_4390del, p.Leu1459fs (NM_170724.3); short protein forms L1459fs.
Identifiers: ClinVar variation 2029607 (VCV002029607.4), dbSNP rs2532714104, ClinGen allele CA2580075535.